The following is an entry in ClinVar:

ClinVar aggregate classification (germline): Uncertain significance (1 of 4 stars; one submission).

Conditions:
Hajdu-Cheney syndrome (HJCYS). Also called: Acroosteolysis dominant type; ACROOSTEOLYSIS WITH OSTEOPOROSIS AND CHANGES IN SKULL AND MANDIBLE; SERPENTINE FIBULA-POLYCYSTIC KIDNEY SYNDROME. Identifiers: Orphanet 955, MedGen C0917715, MONDO:0007057, OMIM 102500.

Allele frequency attached by ClinVar (database versions not stated): gnomAD exomes below 0.00001.
gnomAD v4.1: 2 of 1,612,436 alleles (0.00012%); highest among the groups gnomAD compares: Non-Finnish European, 0.00017%; no homozygotes.

Submission:

Labcorp Genetics (formerly Invitae), Labcorp
Classification: Uncertain significance for Hajdu-Cheney syndrome. Last evaluated: 2023-07-09. Review status: criteria provided, single submitter. Criteria: Invitae Variant Classification Sherloc (09022015). Collection method: clinical testing. Allele origin: germline.
Comment: This sequence change replaces glutamic acid, which is acidic and polar, with lysine, which is basic and polar, at codon 2344 of the NOTCH2 protein (p.Glu2344Lys). This variant is not present in population databases (gnomAD no frequency). This variant has not been reported in the literature in individuals affected with NOTCH2-related conditions. Advanced modeling of protein sequence and biophysical properties (such as structural, functional, and spatial information, amino acid conservation, physicochemical variation, residue mobility, and thermodynamic stability) performed at Invitae indicates that this missense variant is not expected to disrupt NOTCH2 protein function. In summary, the available evidence is currently insufficient to determine the role of this variant in disease. Therefore, it has been classified as a Variant of Uncertain Significance.

NM_024408.4(NOTCH2):c.7030G>A (p.Glu2344Lys)

Gene: NOTCH2 (notch receptor 2; minus strand). Cytogenetic location: 1p12.
Variant type: single nucleotide variant.
Coding change: c.7030G>A on transcript NM_024408.4 (MANE Select); coding-DNA position 7030, G replaced by A.
Protein change: p.Glu2344Lys; replaces glutamic acid 2344 with lysine.
Molecular consequence: missense variant.
Genome position (GRCh38, 1-based): chr1:119,915,692, C>T on the plus strand (G>A on the coding strand, the complement: NOTCH2 is on the minus strand). VCF-style: chr1-119915692-C-T. GRCh37 (hg19) VCF-style: chr1-120458315-C-T.
Other names: short protein forms E2344K.
Identifiers: ClinVar variation 2877291 (VCV002877291.3), dbSNP rs2101142159, ClinGen allele CA341874071.